The following is an entry in ClinVar:

ClinVar aggregate classification (germline): Uncertain significance. Review status: criteria provided, multiple submitters, no conflicts (2 of 4 stars). 2 submissions from 2 submitters: Uncertain significance (2). Last evaluated 2024-10-11.

Conditions:
Hereditary cancer-predisposing syndrome. Also called: Tumor predisposition; Hereditary neoplastic syndrome; Neoplastic Syndromes, Hereditary; Hereditary Cancer Syndrome. Identifiers: Orphanet 140162, MedGen C0027672, MeSH D009386, MONDO:0015356.
Cardiovascular phenotype. Identifiers: MedGen CN230736.
Neurofibromatosis, type 1 (NF1). Also called: VON RECKLINGHAUSEN DISEASE; NEUROFIBROMATOSIS, TYPE I, SOMATIC; Peripheral type neurofibromatosis; Neurofibromatosis, type I. Identifiers: Orphanet 636, MedGen C0027831, MONDO:0018975, OMIM 162200. Disease mechanism: loss of function.

Submissions (2):

Ambry Genetics
Classification: Uncertain significance for Cardiovascular phenotype; Hereditary cancer-predisposing syndrome. Last evaluated: 2024-10-11. Review status: criteria provided, single submitter. Criteria: Ambry Variant Classification Scheme 2023. Collection method: clinical testing. Allele origin: germline.
Comment: The p.M817V variant (also known as c.2449A>G), located in coding exon 21 of the NF1 gene, results from an A to G substitution at nucleotide position 2449. The methionine at codon 817 is replaced by valine, an amino acid with highly similar properties. This amino acid position is conserved. In addition, this alteration is predicted to be tolerated by in silico analysis. Based on the available evidence, the clinical significance of this variant remains unclear.

Labcorp Genetics (formerly Invitae), Labcorp
Classification: Uncertain significance for Neurofibromatosis, type 1. Last evaluated: 2021-07-13. Review status: criteria provided, single submitter. Criteria: Invitae Variant Classification Sherloc (09022015). Collection method: clinical testing. Allele origin: germline.
Comment: In summary, the available evidence is currently insufficient to determine the role of this variant in disease. Therefore, it has been classified as a Variant of Uncertain Significance. Advanced modeling of protein sequence and biophysical properties (such as structural, functional, and spatial information, amino acid conservation, physicochemical variation, residue mobility, and thermodynamic stability) performed at Invitae indicates that this missense variant is not expected to disrupt NF1 protein function. This variant has not been reported in the literature in individuals affected with NF1-related conditions. This variant is not present in population databases (ExAC no frequency). This sequence change replaces methionine with valine at codon 817 of the NF1 protein (p.Met817Val). The methionine residue is moderately conserved and there is a small physicochemical difference between methionine and valine.

NM_001042492.3(NF1):c.2449A>G (p.Met817Val)

Gene: NF1 (neurofibromin 1; plus strand). Cytogenetic location: 17q11.2.
Variant type: single nucleotide variant.
Coding change: c.2449A>G on transcript NM_001042492.3 (MANE Select); coding-DNA position 2449, A replaced by G.
Protein change: p.Met817Val; replaces methionine 817 with valine.
Molecular consequence: missense variant.
Genome position (GRCh38, 1-based): chr17:31,229,064, A>G. VCF-style: chr17-31229064-A-G. GRCh37 (hg19) VCF-style: chr17-29556082-A-G.
Other names: c.2449A>G, p.Met817Val (NM_000267.4); short protein forms M817V.
Identifiers: ClinVar variation 1505097 (VCV001505097.9), dbSNP rs2151428887, ClinGen allele CA398983915.